The following is an entry in ClinVar:

NM_001025616.3(ARHGAP24):c.50G>A (p.Arg17Gln)

Gene: ARHGAP24 (Rho GTPase activating protein 24; plus strand). Cytogenetic location: 4q21.23.
Variant type: single nucleotide variant.
Coding change: c.50G>A on transcript NM_001025616.3 (MANE Select); coding-DNA position 50, G replaced by A.
Protein change: p.Arg17Gln; replaces arginine 17 with glutamine.
Molecular consequence: missense variant.
Genome position (GRCh38, 1-based): chr4:85,570,591, G>A. VCF-style: chr4-85570591-G-A. GRCh37 (hg19) VCF-style: chr4-86491744-G-A.
Other names: short protein forms R17Q.
Identifiers: ClinVar variation 2067748 (VCV002067748.4), dbSNP rs555486295, ClinGen allele CA2994313.

ClinVar aggregate classification (germline): Uncertain significance (1 of 4 stars; one submission).

Allele frequency attached by ClinVar (database versions not stated): ExAC 0.00002; gnomAD exomes 0.00002; TOPMed 0.00008; gnomAD 0.00009; 1000 Genomes Project 30x 0.00016; 1000 Genomes Project 0.00020.
gnomAD v4.1: 44 of 1,613,986 alleles (0.0027%); highest among the groups gnomAD compares: African/African-American, 0.019%; no homozygotes.

Submission:

Labcorp Genetics (formerly Invitae), Labcorp
Classification: Uncertain significance. Last evaluated: 2025-02-17. Review status: criteria provided, single submitter. Criteria: Invitae Variant Classification Sherloc (09022015). Collection method: clinical testing. Allele origin: germline.
Comment: This sequence change replaces arginine, which is basic and polar, with glutamine, which is neutral and polar, at codon 17 of the ARHGAP24 protein (p.Arg17Gln). This variant is present in population databases (rs555486295, gnomAD 0.01%). This variant has not been reported in the literature in individuals affected with ARHGAP24-related conditions. ClinVar contains an entry for this variant (Variation ID: 2067748). An algorithm developed to predict the effect of missense changes on protein structure and function outputs the following: PolyPhen-2: "Benign". The glutamine amino acid residue is found in multiple mammalian species, which suggests that this missense change does not adversely affect protein function. In summary, the available evidence is currently insufficient to determine the role of this variant in disease. Therefore, it has been classified as a Variant of Uncertain Significance.